The following is an entry in ClinVar:

ClinVar aggregate classification (germline): Uncertain significance (1 of 4 stars; one submission).

Allele frequency attached by ClinVar (database versions not stated): ExAC 0.00006; gnomAD 0.00006; TOPMed 0.00007; gnomAD exomes 0.00008 and 0.00015; ESP Exome Variant Server 0.00015.
gnomAD v4.1: 227 of 1,614,116 alleles (0.014%); highest among the groups gnomAD compares: Non-Finnish European, 0.018%; 1 homozygote.

Submission:

Labcorp Genetics (formerly Invitae), Labcorp
Classification: Uncertain significance. Last evaluated: 2022-12-24. Review status: criteria provided, single submitter. Criteria: Invitae Variant Classification Sherloc (09022015). Collection method: clinical testing. Allele origin: germline.
Comment: In summary, the available evidence is currently insufficient to determine the role of this variant in disease. Therefore, it has been classified as a Variant of Uncertain Significance. Algorithms developed to predict the effect of missense changes on protein structure and function output the following: SIFT: "Tolerated"; PolyPhen-2: "Benign"; Align-GVGD: "Class C0". The valine amino acid residue is found in multiple mammalian species, which suggests that this missense change does not adversely affect protein function. ClinVar contains an entry for this variant (Variation ID: 1442359). This variant has not been reported in the literature in individuals affected with REST-related conditions. The frequency data for this variant in the population databases is considered unreliable, as metrics indicate poor data quality at this position in the gnomAD database. This sequence change replaces methionine, which is neutral and non-polar, with valine, which is neutral and non-polar, at codon 807 of the REST protein (p.Met807Val).

NM_005612.5(REST):c.2419A>G (p.Met807Val)

Gene: REST (RE1 silencing transcription factor; plus strand). Cytogenetic location: 4q12.
Variant type: single nucleotide variant.
Coding change: c.2419A>G on transcript NM_005612.5 (MANE Select); coding-DNA position 2419, A replaced by G.
Protein change: p.Met807Val; replaces methionine 807 with valine.
Molecular consequence: missense variant.
Genome position (GRCh38, 1-based): chr4:56,931,277, A>G. VCF-style: chr4-56931277-A-G. GRCh37 (hg19) VCF-style: chr4-57797443-A-G.
Other names: c.2419A>G, p.Met807Val (NM_001193508.2, NM_001363453.3); short protein forms M807V.
Identifiers: ClinVar variation 1442359 (VCV001442359.6), dbSNP rs372216068, ClinGen allele CA2932482.